The following is an entry in ClinVar:

NM_001378615.1(CC2D2A):c.4496+2T>A

Genes: CC2D2A (coiled-coil and C2 domain containing 2A; plus strand), FBXL5 (F-box and leucine rich repeat protein 5; minus strand). Cytogenetic location: 4p15.32.
Variant type: single nucleotide variant.
Coding change: c.4496+2T>A on transcript NM_001378615.1 (MANE Select); the canonical splice donor site of the intron after coding-DNA position 4496, T replaced by A.
Molecular consequence: splice donor variant.
Genome position (GRCh38, 1-based): chr4:15,597,467, T>A. VCF-style: chr4-15597467-T-A. GRCh37 (hg19) VCF-style: chr4-15599090-T-A.
Other names: c.4496+2T>A (NM_001080522.2); c.4349+2T>A (NM_001378617.1).
Identifiers: ClinVar variation 56314 (VCV000056314.2), dbSNP rs386833762, ClinGen allele CA144238.
Genomic context (GRCh38, chr4:15,597,467, plus strand): 5'-CCTGAAGAGCTAATTTACCAGCGCTCAGACAAAGCAGCTGCAGCTGAGCTACAAGACAGG[T>A]AACATAACATCCATAAATCCACATGTAATCTGTCACTAGGAGTATAATACCAAACTTTAA-3'

ClinVar aggregate classification (germline): Likely pathogenic (0 of 4 stars; one submission).

Conditions:
Meckel syndrome, type 6. Identifiers: Orphanet 564, MedGen C2676790, MONDO:0012848, OMIM 612284.

Submission:

Juha Muilu Group; Institute for Molecular Medicine Finland (FIMM)
Classification: Likely pathogenic for Meckel syndrome, type 6. Review status: no assertion criteria provided. Collection method: not provided. Allele origin: unknown.
Comment: FinDis database variant: This variant was not found or characterized by our laboratory, data were collected from public sources: see reference
ClinVar note: Converted during submission from probable-pathogenic to Likely pathogenic.